The following is an entry in ClinVar:

NM_004380.3(CREBBP):c.4891-7C>T

Gene: CREBBP (CREB binding lysine acetyltransferase; minus strand). Cytogenetic location: 16p13.3.
Variant type: single nucleotide variant.
Coding change: c.4891-7C>T on transcript NM_004380.3 (MANE Select); 7 bases into the intron before coding-DNA position 4891, C replaced by T.
Molecular consequence: intron variant.
Genome position (GRCh38, 1-based): chr16:3,731,480, G>A on the plus strand (C>T on the coding strand, the complement: CREBBP is on the minus strand). VCF-style: chr16-3731480-G-A. GRCh37 (hg19) VCF-style: chr16-3781481-G-A.
Other names: c.4777-7C>T (NM_001079846.1).
Identifiers: ClinVar variation 3029624 (VCV003029624.4), dbSNP rs780821092, ClinGen allele CA7869389.

ClinVar aggregate classification (germline): Likely benign. Review status: criteria provided, single submitter (1 of 4 stars). 2 submissions from 2 submitters: Likely benign (1). 1 of the submissions does not count toward it. Last evaluated 2025-07-07.

Conditions:
CREBBP-related disorder. Also called: CREBBP-related condition; CREBBP-related disorders.

Allele frequency attached by ClinVar (database versions not stated): gnomAD 0.00001; gnomAD exomes 0.00001; TOPMed 0.00001; ExAC 0.00003.
gnomAD v4.1: 11 of 1,577,192 alleles (0.0007%); highest among the groups gnomAD compares: African/African-American, 0.0054%; no homozygotes.

Submissions (2):

Women's Health and Genetics/Laboratory Corporation of America, LabCorp
Classification: Likely benign. Last evaluated: 2025-07-07. Review status: criteria provided, single submitter. Criteria: LabCorp Variant Classification Summary - May 2015. Collection method: clinical testing. Allele origin: germline.

PreventionGenetics, part of Exact Sciences
Classification: Likely benign for CREBBP-related condition. Last evaluated: 2022-03-24. Review status: no assertion criteria provided. Collection method: clinical testing. Allele origin: germline. Not counted in ClinVar's aggregate classification.
Comment: This variant is classified as likely benign based on ACMG/AMP sequence variant interpretation guidelines (Richards et al. 2015 PMID: 25741868, with internal and published modifications).